The following is an entry in ClinVar:

NM_058179.4(PSAT1):c.370G>A (p.Val124Ile)

Gene: PSAT1 (phosphoserine aminotransferase 1; plus strand). Cytogenetic location: 9q21.2.
Variant type: single nucleotide variant.
Coding change: c.370G>A on transcript NM_058179.4 (MANE Select); coding-DNA position 370, G replaced by A.
Protein change: p.Val124Ile; replaces valine 124 with isoleucine.
Molecular consequence: missense variant.
Genome position (GRCh38, 1-based): chr9:78,304,913, G>A. VCF-style: chr9-78304913-G-A. GRCh37 (hg19) VCF-style: chr9-80919829-G-A.
Other names: c.370G>A, p.Val124Ile (NM_021154.5); short protein forms V124I.
Identifiers: ClinVar variation 914104 (VCV000914104.13), dbSNP rs140897665, ClinGen allele CA5095593.
Genomic context (GRCh38, chr9:78,304,913, plus strand): 5'-ACAGGAGCTTGGTCAGCTAAGGCCGCAGAAGAAGCCAAGAAGTTTGGGACTATAAATATC[G>A]TTCACCCTAAACTTGGGAGTTATACAAGTAAGTTCTGGGAGCTGAGCTGGGTGGTGACGT-3'
Protein context (NP_478059.1, residues 114-134): EAKKFGTINI[Val124Ile]HPKLGSYTKI

ClinVar aggregate classification (germline): Uncertain significance. Review status: criteria provided, multiple submitters, no conflicts (2 of 4 stars). 4 submissions from 4 submitters: Uncertain significance (3). 1 of the submissions does not count toward it. Last evaluated 2026-02-01.

Conditions:
PSAT deficiency. Identifiers: Orphanet 284417, MedGen C1970253, MONDO:0012596, OMIM 610992.
Neu-Laxova syndrome 2. Identifiers: Orphanet 2671, Orphanet 583602, MedGen C4015019, MONDO:0014466, OMIM 616038.

Allele frequency attached by ClinVar (database versions not stated): 1000 Genomes Project 30x 0.00016; 1000 Genomes Project 0.00020; TOPMed 0.00004; ExAC 0.00005; gnomAD 0.00006 and 0.00005; ESP Exome Variant Server 0.00008; gnomAD exomes 0.00005.
gnomAD v4.1: 166 of 1,612,790 alleles (0.01%); highest among the groups gnomAD compares: East Asian, 0.025%; no homozygotes.

Submissions (4):

Labcorp Genetics (formerly Invitae), Labcorp
Classification: Uncertain significance for Neu-Laxova syndrome 2. Last evaluated: 2026-02-01. Review status: criteria provided, single submitter. Criteria: Invitae Variant Classification Sherloc (09022015). Collection method: clinical testing. Allele origin: germline.
Comment: This sequence change replaces valine, which is neutral and non-polar, with isoleucine, which is neutral and non-polar, at codon 124 of the PSAT1 protein (p.Val124Ile). This variant is present in population databases (rs140897665, gnomAD 0.01%). This missense change has been observed in individual(s) with idiopathic cerebral palsy (PMID: 34077496). ClinVar contains an entry for this variant (Variation ID: 914104). Invitae Evidence Modeling of protein sequence and biophysical properties (such as structural, functional, and spatial information, amino acid conservation, physicochemical variation, residue mobility, and thermodynamic stability) indicates that this missense variant is not expected to disrupt PSAT1 protein function with a negative predictive value of 80%. Experimental studies have shown that this missense change does not substantially affect PSAT1 function (PMID: 32077105). In summary, the available evidence is currently insufficient to determine the role of this variant in disease. Therefore, it has been classified as a Variant of Uncertain Significance.

Blueprint Genetics
Classification: Uncertain significance. Last evaluated: 2024-07-30. Review status: criteria provided, single submitter. Criteria: ACMG Guidelines, 2015. Collection method: clinical testing. Allele origin: germline.

Illumina Laboratory Services, Illumina
Classification: Uncertain significance for PSAT deficiency. Last evaluated: 2018-01-12. Review status: criteria provided, single submitter. Criteria: ICSL Variant Classification Criteria 13 December 2019. Collection method: clinical testing. Allele origin: germline.

Dudley Research Group, Pacific Northwest Research Institute
No classification provided. Review status: no classification provided. Collection method: research, in vivo. Allele origin: unknown, not applicable. Functional consequence: functionally_normal. Not counted in ClinVar's aggregate classification.

Literature cited by the submitters: PubMed 34077496 (cited by Labcorp Genetics (formerly Invitae), Labcorp); PubMed 32077105 (cited by Labcorp Genetics (formerly Invitae), Labcorp).